The following is an entry in ClinVar:

ClinVar aggregate classification (germline): Uncertain significance. Review status: criteria provided, multiple submitters, no conflicts (2 of 4 stars). 2 submissions from 2 submitters: Uncertain significance (2). Last evaluated 2025-11-12.

Allele frequency attached by ClinVar (database versions not stated): ExAC 0.00001; gnomAD exomes 0.00005; TOPMed 0.00019; gnomAD 0.00024.
gnomAD v4.1: 104 of 1,611,886 alleles (0.0065%); highest among the groups gnomAD compares: Admixed American, 0.083%; no homozygotes.

Submissions (2):

Ambry Genetics
Classification: Uncertain significance. Last evaluated: 2025-11-12. Review status: criteria provided, single submitter. Criteria: Ambry Variant Classification Scheme 2023. Collection method: clinical testing. Allele origin: germline.

Labcorp Genetics (formerly Invitae), Labcorp
Classification: Uncertain significance. Last evaluated: 2022-02-01. Review status: criteria provided, single submitter. Criteria: Invitae Variant Classification Sherloc (09022015). Collection method: clinical testing. Allele origin: germline.
Comment: This sequence change replaces arginine, which is basic and polar, with cysteine, which is neutral and slightly polar, at codon 1261 of the SBF1 protein (p.Arg1261Cys). This variant is present in population databases (rs201356044, gnomAD 0.04%). This variant has not been reported in the literature in individuals affected with SBF1-related conditions. Algorithms developed to predict the effect of missense changes on protein structure and function are either unavailable or do not agree on the potential impact of this missense change (SIFT: "Deleterious"; PolyPhen-2: "Probably Damaging"; Align-GVGD: "Class C0"). In summary, the available evidence is currently insufficient to determine the role of this variant in disease. Therefore, it has been classified as a Variant of Uncertain Significance.

NM_002972.4(SBF1):c.3781C>T (p.Arg1261Cys)

Gene: SBF1 (SET binding factor 1; minus strand). Cytogenetic location: 22q13.33.
Variant type: single nucleotide variant.
Coding change: c.3781C>T on transcript NM_002972.4 (MANE Select); coding-DNA position 3781, C replaced by T.
Protein change: p.Arg1261Cys; replaces arginine 1261 with cysteine.
Molecular consequence: missense variant.
Genome position (GRCh38, 1-based): chr22:50,459,300, G>A on the plus strand (C>T on the coding strand, the complement: SBF1 is on the minus strand). VCF-style: chr22-50459300-G-A. GRCh37 (hg19) VCF-style: chr22-50897729-G-A.
Other names: c.3781C>T (NM_002972.2); c.3784C>T, p.Arg1262Cys (NM_001410794.1, NM_001365819.1); c.3781C>T, p.Arg1261Cys (NM_001410795.1, NM_197971.1); short protein forms R1261C, R1262C.
Identifiers: ClinVar variation 2421363 (VCV002421363.6), dbSNP rs201356044, ClinGen allele CA10316566.